The following is an entry in ClinVar:

NM_003647.3(DGKE):c.888+1G>C

Gene: DGKE (diacylglycerol kinase epsilon; plus strand). Cytogenetic location: 17q22.
Variant type: single nucleotide variant.
Coding change: c.888+1G>C on transcript NM_003647.3 (MANE Select); the canonical splice donor site of the intron after coding-DNA position 888, G replaced by C.
Molecular consequence: splice donor variant.
Genome position (GRCh38, 1-based): chr17:56,848,066, G>C. VCF-style: chr17-56848066-G-C. GRCh37 (hg19) VCF-style: chr17-54925427-G-C.
Identifiers: ClinVar variation 1455376 (VCV001455376.6), dbSNP rs1169050578, ClinGen allele CA399927576.

ClinVar aggregate classification (germline): Pathogenic (1 of 4 stars; one submission).

Submission:

Labcorp Genetics (formerly Invitae), Labcorp
Classification: Pathogenic. Last evaluated: 2021-11-17. Review status: criteria provided, single submitter. Criteria: Invitae Variant Classification Sherloc (09022015). Collection method: clinical testing. Allele origin: germline.
Comment: Disruption of this splice site has been observed in individual(s) with DGKE-related conditions (Invitae). In at least one individual the data is consistent with the variant being in trans (on the opposite chromosome) from a pathogenic variant. For these reasons, this variant has been classified as Pathogenic. Algorithms developed to predict the effect of sequence changes on RNA splicing suggest that this variant may disrupt the consensus splice site. This variant is not present in population databases (gnomAD no frequency). This sequence change affects a donor splice site in intron 5 of the DGKE gene. It is expected to disrupt RNA splicing. Variants that disrupt the donor or acceptor splice site typically lead to a loss of protein function (PMID: 16199547), and loss-of-function variants in DGKE are known to be pathogenic (PMID: 23274426, 23542698).

Literature cited by the submitters: PubMed 16199547; PubMed 23274426; PubMed 23542698.